The following is an entry in ClinVar:

NM_001267550.2(TTN):c.61706G>A (p.Arg20569Lys)

Genes: TTN (titin; minus strand), TTN-AS1 (TTN antisense RNA 1; plus strand). Cytogenetic location: 2q31.2.
Variant type: single nucleotide variant.
Coding change: c.61706G>A on transcript NM_001267550.2 (MANE Select); coding-DNA position 61706, G replaced by A.
Protein change: p.Arg20569Lys; replaces arginine 20569 with lysine.
Molecular consequence: missense variant.
Genome position (GRCh38, 1-based): chr2:178,590,019, C>T on the plus strand (G>A on the coding strand, the complement: TTN is on the minus strand). VCF-style: chr2-178590019-C-T. GRCh37 (hg19) VCF-style: chr2-179454746-C-T.
Other names: c.56783G>A, p.Arg18928Lys (NM_001256850.1); c.34511G>A, p.Arg11504Lys (NM_003319.4); c.54002G>A, p.Arg18001Lys (NM_133378.4); c.34886G>A, p.Arg11629Lys (NM_133432.3); c.35087G>A, p.Arg11696Lys (NM_133437.4); short protein forms R20569K, R18928K, R11504K, R11629K, R11696K, R18001K.
Identifiers: ClinVar variation 467339 (VCV000467339.10), dbSNP rs371014957, ClinGen allele CA1992329.

ClinVar aggregate classification (germline): Uncertain significance. Review status: criteria provided, multiple submitters, no conflicts (2 of 4 stars). 5 submissions from 5 submitters: Uncertain significance (5). Last evaluated 2025-10-29.

Conditions:
TTN-related disorder. Also called: TTN-related condition; TTN-related disease; TTN-related disorders.
Autosomal recessive limb-girdle muscular dystrophy type 2J (LGMDR10). Also called: Limb-girdle muscular dystrophy, type 2J; MUSCULAR DYSTROPHY, LIMB-GIRDLE, AUTOSOMAL RECESSIVE 10. Identifiers: Orphanet 140922, MedGen C1837342, MONDO:0012127, OMIM 608807.
Dilated cardiomyopathy 1G (CMD1G). Identifiers: Orphanet 154, MedGen C1858763, MONDO:0011400, OMIM 604145.
Cardiovascular phenotype. Identifiers: MedGen CN230736.
Hypertrophic cardiomyopathy 9. Also called: Familial hypertrophic cardiomyopathy 9. Identifiers: MedGen C1861065, MONDO:0013412, OMIM 613765.
Myopathy, myofibrillar, 9, with early respiratory failure (MFM9). Also called: Hereditary myopathy with early respiratory failure; MYOPATHY, PROXIMAL, WITH EARLY RESPIRATORY MUSCLE INVOLVEMENT; EDSTROM MYOPATHY; Myopathy, distal, with early respiratory failure, autosomal dominant. Identifiers: Orphanet 178464, Orphanet 34521, MedGen C1863599, MONDO:0011362, OMIM 603689.
Tibial muscular dystrophy (TMD). Also called: Udd Distal Myopathy – Tibial Muscular Dystrophy; UDD MYOPATHY; Tibial muscular dystrophy, tardive. Identifiers: Orphanet 609, MedGen C1838244, MONDO:0010870, OMIM 600334.
Early-onset myopathy with fatal cardiomyopathy (CMYO5). Also called: Salih Myopathy; CONGENITAL MYOPATHY 5 WITH CARDIOMYOPATHY. Identifiers: Orphanet 289377, MedGen C2673677, MONDO:0012714, OMIM 611705. Disease mechanism: loss of function.

Allele frequency attached by ClinVar (database versions not stated): gnomAD exomes below 0.00001 and 0.00004; ExAC 0.00001; gnomAD 0.00001; TOPMed 0.00002; ESP Exome Variant Server 0.00008.
gnomAD v4.1: 61 of 1,613,064 alleles (0.0038%); highest among the groups gnomAD compares: Non-Finnish European, 0.0051%; no homozygotes.

Submissions (5):

PreventionGenetics, part of Exact Sciences
Classification: Uncertain significance for TTN-related condition. Last evaluated: 2025-10-29. Review status: criteria provided, single submitter. Criteria: ACMG Guidelines, 2015. Collection method: clinical testing. Allele origin: germline.
Comment: The TTN c.61706G>A variant is predicted to result in the amino acid substitution p.Arg20569Lys. To our knowledge, this variant has not been reported in the literature in individuals with TTN-related disorders. This variant is reported in 0.0016% of alleles in individuals of European (Non-Finnish) descent in gnomAD. At this time, the clinical significance of this variant is uncertain due to the absence of conclusive functional and genetic evidence.

Fulgent Genetics
Classification: Uncertain significance for Tibial muscular dystrophy; Myopathy, myofibrillar, 9, with early respiratory failure; Dilated cardiomyopathy 1G; Autosomal recessive limb-girdle muscular dystrophy type 2J; Early-onset myopathy with fatal cardiomyopathy; Hypertrophic cardiomyopathy 9. Last evaluated: 2021-07-01. Review status: criteria provided, single submitter. Criteria: ACMG Guidelines, 2015. Collection method: clinical testing. Allele origin: unknown.

Revvity Omics, Revvity
Classification: Uncertain significance. Last evaluated: 2021-01-13. Review status: criteria provided, single submitter. Criteria: ACMG Guidelines, 2015. Collection method: clinical testing. Allele origin: germline.

Ambry Genetics
Classification: Uncertain significance for Cardiovascular phenotype. Last evaluated: 2018-04-10. Review status: criteria provided, single submitter. Criteria: Ambry Variant Classification Scheme 2023. Collection method: clinical testing. Allele origin: germline.
Comment: The p.R11504K variant (also known as c.34511G>A), located in coding exon 131 of the TTN gene, results from a G to A substitution at nucleotide position 34511. The arginine at codon 11504 is replaced by lysine, an amino acid with highly similar properties. This amino acid position is highly conserved in available vertebrate species. In addition, this alteration is predicted to be tolerated by in silico analysis. Since supporting evidence is limited at this time, the clinical significance of this alteration remains unclear.

Labcorp Genetics (formerly Invitae), Labcorp
Classification: Uncertain significance for Dilated cardiomyopathy 1G; Autosomal recessive limb-girdle muscular dystrophy type 2J. Last evaluated: 2017-07-18. Review status: criteria provided, single submitter. Criteria: Invitae Variant Classification Sherloc (09022015). Collection method: clinical testing. Allele origin: germline.